The following is an entry in ClinVar:

NM_201384.3(PLEC):c.1528A>T (p.Ser510Cys)

Gene: PLEC (plectin; minus strand). Cytogenetic location: 8q24.3.
Variant type: single nucleotide variant.
Coding change: c.1528A>T on transcript NM_201384.3 (MANE Select); coding-DNA position 1528, A replaced by T.
Protein change: p.Ser510Cys; replaces serine 510 with cysteine.
Molecular consequence: missense variant.
Genome position (GRCh38, 1-based): chr8:143,933,002, T>A on the plus strand (A>T on the coding strand, the complement: PLEC is on the minus strand). VCF-style: chr8-143933002-T-A. GRCh37 (hg19) VCF-style: chr8-145007170-T-A.
Other names: c.1609A>T, p.Ser537Cys (NM_000445.5, NM_001410941.1); c.1486A>T, p.Ser496Cys (NM_201378.4); c.1462A>T, p.Ser488Cys (NM_201379.3); c.1939A>T, p.Ser647Cys (NM_201380.4); c.1432A>T, p.Ser478Cys (NM_201381.3); c.1528A>T, p.Ser510Cys (NM_201382.4); c.1540A>T, p.Ser514Cys (NM_201383.3); short protein forms S510C, S647C, S488C, S496C, S537C, S478C, S514C.
Identifiers: ClinVar variation 2933404 (VCV002933404.3), dbSNP rs2538862438, ClinGen allele CA372581145.
Genomic context (GRCh38, chr8:143,933,002, plus strand): 5'-CCAGCAGGTCCTGCAGGTAGCGCAGAGTGGAGTCCTCCAGCTCGGGGCGCCTCTGCACAC[T>A]CTGCAGAGTCACCTGGGCCACCTGGGTTGCAGGGGCCGCCACGCCTGCCTTCAGCCGTAG-3'
Protein context (NP_958786.1, residues 500-520): ATQVAQVTLQ[Ser510Cys]VQRRPELEDS

ClinVar aggregate classification (germline): Uncertain significance (1 of 4 stars; one submission).

Conditions:
Epidermolysis bullosa simplex with nail dystrophy (EBS5D). Identifiers: MedGen C4225309, MONDO:0014661, OMIM 616487.
Epidermolysis bullosa simplex 5C, with pyloric atresia (EBS5C). Also called: PLEC-Related Epidermolysis Bullosa with Pyloric Atresia; Epidermolysis bullosa simplex with pyloric atresia; PLEC1-Related Epidermolysis Bullosa with Pyloric Atresia. Identifiers: Orphanet 158684, MedGen C2677349, MONDO:0012807, OMIM 612138.
Autosomal recessive limb-girdle muscular dystrophy type 2Q (LGMDR17). Also called: MUSCULAR DYSTROPHY, LIMB-GIRDLE, AUTOSOMAL RECESSIVE 17. Identifiers: Orphanet 254361, MedGen C3150989, MONDO:0013390, OMIM 613723.
Epidermolysis bullosa simplex, Ogna type (EBS5A). Also called: Pidermolysis bullosa simplex 5A, Ogna type; EPIDERMOLYSIS BULLOSA SIMPLEX 5A, OGNA TYPE. Identifiers: Orphanet 79401, MedGen C0432317, MONDO:0007555, OMIM 131950.
Epidermolysis bullosa simplex 5B, with muscular dystrophy (EBS5B). Also called: EPIDERMOLYSIS BULLOSA SIMPLEX AND LIMB-GIRDLE MUSCULAR DYSTROPHY; Epidermolysis bullosa simplex with muscular dystrophy. Identifiers: Orphanet 257, MedGen C2931072, MONDO:0009181, OMIM 226670.

Submission:

Labcorp Genetics (formerly Invitae), Labcorp
Classification: Uncertain significance for Autosomal recessive limb-girdle muscular dystrophy type 2Q; Epidermolysis bullosa simplex, Ogna type; Epidermolysis bullosa simplex with nail dystrophy; Epidermolysis bullosa simplex 5C, with pyloric atresia; Epidermolysis bullosa simplex 5B, with muscular dystrophy. Last evaluated: 2025-09-03. Review status: criteria provided, single submitter. Criteria: Invitae Variant Classification Sherloc (09022015). Collection method: clinical testing. Allele origin: germline.
Comment: This sequence change replaces serine, which is neutral and polar, with cysteine, which is neutral and slightly polar, at codon 537 of the PLEC protein (p.Ser537Cys). This variant is not present in population databases (gnomAD no frequency). This variant has not been reported in the literature in individuals affected with PLEC-related conditions. ClinVar contains an entry for this variant (Variation ID: 2933404). Experimental studies and prediction algorithms are not available or were not evaluated, and the functional significance of this variant is currently unknown. In summary, the available evidence is currently insufficient to determine the role of this variant in disease. Therefore, it has been classified as a Variant of Uncertain Significance.